The following is an entry in ClinVar:

ClinVar aggregate classification (germline): Likely pathogenic. Review status: criteria provided, single submitter (1 of 4 stars). 2 submissions from 2 submitters: Likely pathogenic (1). 1 of the submissions does not count toward it. Last evaluated 2025-10-27.

Conditions:
Autosomal recessive nonsyndromic hearing loss 1A (DFNB1A). Also called: GJB6-Related DFNB 1 Nonsyndromic Hearing Loss and Deafness; Deafness, autosomal recessive 1A; GJB2-Related Autosomal Recessive Nonsyndromic Hearing Loss; Connexin 26 deafness; Deafness nonsyndromic, Connexin 26 linked; Nonsyndromic Hearing Loss and Deafness, DFNB1. Identifiers: Orphanet 90636, MedGen C2673759, MONDO:0009076, OMIM 220290.
Autosomal recessive nonsyndromic hearing loss 22. Identifiers: Orphanet 90636, MedGen C1846896, MONDO:0011762, OMIM 607039.

Allele frequency attached by ClinVar (database versions not stated): gnomAD exomes below 0.00001.
gnomAD v4.1: 1 of 1,614,132 alleles (0.000062%); highest among the groups gnomAD compares: Middle Eastern, 0.017%; no homozygotes.

Submissions (2):

Human Genetics Bochum, Ruhr University Bochum
Classification: Likely pathogenic for Autosomal recessive nonsyndromic hearing loss 1A. Last evaluated: 2025-10-27. Review status: criteria provided, single submitter. Criteria: ACMG Guidelines, 2015. Collection method: clinical testing. Allele origin: germline. Affected: yes.
Comment: in homozygous state; ACMG criteria used to clasify this variant: PM1, PM2_SUP, PP1, PP3, PP1_str, PS4_sup

Hereditary Research Laboratory, Bethlehem University
Classification: Pathogenic for Autosomal recessive nonsyndromic hearing loss 22. Last evaluated: 2016-06-04. Review status: no assertion criteria provided. Collection method: research. Allele origin: germline. Affected: yes. Not counted in ClinVar's aggregate classification.

NM_144672.4(OTOA):c.1025A>T (p.Asp342Val)

Gene: OTOA (otoancorin). Cytogenetic location: 16p12.2.
Variant type: single nucleotide variant.
Coding change: c.1025A>T on transcript NM_144672.4 (MANE Select); coding-DNA position 1025, A replaced by T.
Protein change: p.Asp342Val; replaces aspartic acid 342 with valine.
Molecular consequence: missense variant.
Genome position (GRCh38, 1-based): chr16:21,705,213, A>T. VCF-style: chr16-21705213-A-T. GRCh37 (hg19) VCF-style: chr16-21716534-A-T.
Other names: c.788A>T, p.Asp263Val (NM_001161683.2); c.53A>T, p.Asp18Val (NM_170664.3); short protein forms D342V, D18V, D263V.
Identifiers: ClinVar variation 402269 (VCV000402269.2), dbSNP rs1060499804, ClinGen allele CA16609581.